The following is an entry in ClinVar:

ClinVar aggregate classification (germline): Uncertain significance (1 of 4 stars; one submission).

Submission:

Labcorp Genetics (formerly Invitae), Labcorp
Classification: Uncertain significance. Last evaluated: 2020-11-20. Review status: criteria provided, single submitter. Criteria: Invitae Variant Classification Sherloc (09022015). Collection method: clinical testing. Allele origin: germline.
Comment: Advanced modeling of protein sequence and biophysical properties (such as structural, functional, and spatial information, amino acid conservation, physicochemical variation, residue mobility, and thermodynamic stability) performed at Invitae indicates that this missense variant is not expected to disrupt FAT4 protein function. Algorithms developed to predict the effect of sequence changes on RNA splicing suggest that this variant may create or strengthen a splice site, but this prediction has not been confirmed by published transcriptional studies. In summary, the available evidence is currently insufficient to determine the role of this variant in disease. Therefore, it has been classified as a Variant of Uncertain Significance. This variant has not been reported in the literature in individuals with FAT4-related conditions. This sequence change replaces histidine with tyrosine at codon 2539 of the FAT4 protein (p.His2539Tyr). The histidine residue is highly conserved and there is a moderate physicochemical difference between histidine and tyrosine. This variant is not present in population databases (ExAC no frequency).

NM_001291303.3(FAT4):c.7621C>T (p.His2541Tyr)

Gene: FAT4 (FAT atypical cadherin 4; plus strand). Cytogenetic location: 4q28.1.
Variant type: single nucleotide variant.
Coding change: c.7621C>T on transcript NM_001291303.3 (MANE Select); coding-DNA position 7621, C replaced by T.
Protein change: p.His2541Tyr; replaces histidine 2541 with tyrosine.
Molecular consequence: missense variant.
Genome position (GRCh38, 1-based): chr4:125,448,631, C>T. VCF-style: chr4-125448631-C-T. GRCh37 (hg19) VCF-style: chr4-126369786-C-T.
Other names: c.7621C>T, p.His2541Tyr (NM_001291285.3); c.7615C>T, p.His2539Tyr (NM_024582.6); short protein forms H2541Y, H2539Y.
Identifiers: ClinVar variation 1486791 (VCV001486791.8), dbSNP rs2126056853, ClinGen allele CA358140682.